The following is an entry in ClinVar:

ClinVar aggregate classification (germline): Conflicting classifications of pathogenicity. Review status: criteria provided, conflicting classifications (1 of 4 stars). 3 submissions from 3 submitters: Uncertain significance (2); Likely benign (1). Last evaluated 2025-08-25.

Conditions:
Malignant hyperthermia, susceptibility to, 1 (MHS1). Also called: RYR1-Related Malignant Hyperthermia Susceptibility; Anesthesia related hyperthermia; Malignant hyperpyrexia; Fulminating hyperpyrexia; Pharmacogenic myopathy; Malignant hyperthermia suceptibility 1. Identifiers: Orphanet 423, MedGen C2930980, MONDO:0007783, OMIM 145600.
RYR1-related disorder. Also called: RYR1-related disorders; RYR1-related condition. Identifiers: MedGen CN239331.

Allele frequency attached by ClinVar (database versions not stated): ExAC 0.00001; gnomAD 0.00001; TOPMed 0.00001; gnomAD exomes 0.00005.
gnomAD v4.1: 80 of 1,613,992 alleles (0.005%); highest among the groups gnomAD compares: Non-Finnish European, 0.0066%; no homozygotes.

Submissions (3):

Labcorp Genetics (formerly Invitae), Labcorp
Classification: Uncertain significance for RYR1-related disorder. Last evaluated: 2025-08-25. Review status: criteria provided, single submitter. Criteria: Invitae Variant Classification Sherloc (09022015). Collection method: clinical testing. Allele origin: germline.
Comment: This sequence change falls in intron 77 of the RYR1 gene. It does not directly change the encoded amino acid sequence of the RYR1 protein. It affects a nucleotide within the consensus splice site. This variant is present in population databases (rs758196929, gnomAD 0.002%). This variant has not been reported in the literature in individuals affected with RYR1-related conditions. ClinVar contains an entry for this variant (Variation ID: 2075113). Variants that disrupt the consensus splice site are a relatively common cause of aberrant splicing (PMID: 17576681, 9536098). Algorithms developed to predict the effect of sequence changes on RNA splicing suggest that this variant is not likely to affect RNA splicing. In summary, the available evidence is currently insufficient to determine the role of this variant in disease. Therefore, it has been classified as a Variant of Uncertain Significance.

Revvity Omics, Revvity
Classification: Uncertain significance. Last evaluated: 2024-05-30. Review status: criteria provided, single submitter. Criteria: ACMG Guidelines, 2015. Collection method: clinical testing. Allele origin: germline.

Color Diagnostics, LLC DBA Color Health
Classification: Likely benign for Malignant hyperthermia, susceptibility to, 1. Last evaluated: 2022-12-22. Review status: criteria provided, single submitter. Criteria: ACMG Guidelines, 2015. Collection method: clinical testing. Allele origin: germline.

Literature cited by the submitters: PubMed 17576681 (cited by Labcorp Genetics (formerly Invitae), Labcorp); PubMed 9536098 (cited by Labcorp Genetics (formerly Invitae), Labcorp).

NM_000540.3(RYR1):c.11194-3C>T

Gene: RYR1 (ryanodine receptor 1; plus strand). Cytogenetic location: 19q13.2.
Variant type: single nucleotide variant.
Coding change: c.11194-3C>T on transcript NM_000540.3 (MANE Select); 3 bases into the intron before coding-DNA position 11194, C replaced by T.
Molecular consequence: intron variant.
Genome position (GRCh38, 1-based): chr19:38,532,668, C>T. VCF-style: chr19-38532668-C-T. GRCh37 (hg19) VCF-style: chr19-39023308-C-T.
Other names: c.11179-3C>T (NM_001042723.2).
Identifiers: ClinVar variation 2075113 (VCV002075113.4), dbSNP rs758196929, ClinGen allele CA056311.